The following is an entry in ClinVar:

ClinVar aggregate classification (germline): Uncertain significance. Review status: criteria provided, multiple submitters, no conflicts (2 of 4 stars). 2 submissions from 2 submitters: Uncertain significance (2). Last evaluated 2025-10-08.

Allele frequency attached by ClinVar (database versions not stated): gnomAD 0.00001; ExAC 0.00003; gnomAD exomes 0.00003.
gnomAD v4.1: 42 of 1,614,086 alleles (0.0026%); highest among the groups gnomAD compares: Middle Eastern, 0.016%; no homozygotes.

Submissions (2):

Ambry Genetics
Classification: Uncertain significance. Last evaluated: 2025-10-08. Review status: criteria provided, single submitter. Criteria: Ambry Variant Classification Scheme 2023. Collection method: clinical testing. Allele origin: germline.

Labcorp Genetics (formerly Invitae), Labcorp
Classification: Uncertain significance. Last evaluated: 2025-10-03. Review status: criteria provided, single submitter. Criteria: Invitae Variant Classification Sherloc (09022015). Collection method: clinical testing. Allele origin: germline.
Comment: This sequence change replaces valine, which is neutral and non-polar, with isoleucine, which is neutral and non-polar, at codon 645 of the MYLK3 protein (p.Val645Ile). This variant is present in population databases (rs763522795, gnomAD 0.02%). This variant has not been reported in the literature in individuals affected with MYLK3-related conditions. ClinVar contains an entry for this variant (Variation ID: 1988614). An algorithm developed to predict the effect of missense changes on protein structure and function (PolyPhen-2) suggests that this variant is likely to be tolerated. In summary, the available evidence is currently insufficient to determine the role of this variant in disease. Therefore, it has been classified as a Variant of Uncertain Significance.

NM_182493.3(MYLK3):c.1933G>A (p.Val645Ile)

Gene: MYLK3 (myosin light chain kinase 3; minus strand). Cytogenetic location: 16q11.2.
Variant type: single nucleotide variant.
Coding change: c.1933G>A on transcript NM_182493.3 (MANE Select); coding-DNA position 1933, G replaced by A.
Protein change: p.Val645Ile; replaces valine 645 with isoleucine.
Molecular consequence: missense variant.
Genome position (GRCh38, 1-based): chr16:46,721,175, C>T on the plus strand (G>A on the coding strand, the complement: MYLK3 is on the minus strand). VCF-style: chr16-46721175-C-T. GRCh37 (hg19) VCF-style: chr16-46755087-C-T.
Other names: c.910G>A, p.Val304Ile (NM_001308301.1); c.1933G>A (NM_182493.2); short protein forms V304I, V645I.
Identifiers: ClinVar variation 1988614 (VCV001988614.5), dbSNP rs763522795, ClinGen allele CA8037791.